The following is an entry in ClinVar:

ClinVar aggregate classification (germline): Uncertain significance (1 of 4 stars; one submission).

Allele frequency attached by ClinVar (database versions not stated): gnomAD exomes below 0.00001; TOPMed below 0.00001; gnomAD 0.00003.
gnomAD v4.1: 4 of 1,210,023 alleles (0.00033%); highest among the groups gnomAD compares: African/African-American, 0.007%; no homozygotes.

Submission:

Labcorp Genetics (formerly Invitae), Labcorp
Classification: Uncertain significance. Last evaluated: 2024-02-05. Review status: criteria provided, single submitter. Criteria: Invitae Variant Classification Sherloc (09022015). Collection method: clinical testing. Allele origin: germline.
Comment: This sequence change replaces glutamine, which is neutral and polar, with glutamic acid, which is acidic and polar, at codon 644 of the AMER1 protein (p.Gln644Glu). This variant is present in population databases (no rsID available, gnomAD 0.01%). This variant has not been reported in the literature in individuals affected with AMER1-related conditions. An algorithm developed to predict the effect of missense changes on protein structure and function (PolyPhen-2) suggests that this variant is likely to be tolerated. In summary, the available evidence is currently insufficient to determine the role of this variant in disease. Therefore, it has been classified as a Variant of Uncertain Significance.

NM_152424.4(AMER1):c.1930C>G (p.Gln644Glu)

Gene: AMER1 (APC membrane recruitment protein 1; minus strand). Cytogenetic location: Xq11.2.
Variant type: single nucleotide variant.
Coding change: c.1930C>G on transcript NM_152424.4 (MANE Select); coding-DNA position 1930, C replaced by G.
Protein change: p.Gln644Glu; replaces glutamine 644 with glutamic acid.
Molecular consequence: missense variant.
Genome position (GRCh38, 1-based): chrX:64,191,357, G>C on the plus strand (C>G on the coding strand, the complement: AMER1 is on the minus strand). VCF-style: chrX-64191357-G-C. GRCh37 (hg19) VCF-style: chrX-63411237-G-C.
Other names: short protein forms Q644E.
Identifiers: ClinVar variation 2890949 (VCV002890949.3), dbSNP rs1290201140, ClinGen allele CA413305850.